The following is an entry in ClinVar:

ClinVar aggregate classification (germline): Uncertain significance (1 of 4 stars; one submission).

Conditions:
Gastrointestinal stromal tumor. Also called: Gastrointestinal stroma tumor; Gastrointestinal stromal tumor, somatic. Identifiers: Orphanet 44890, MedGen C0238198, MeSH D046152, MONDO:0011719, OMIM 606764, HP:0100723.

Submission:

Labcorp Genetics (formerly Invitae), Labcorp
Classification: Uncertain significance for Gastrointestinal stromal tumor. Last evaluated: 2021-03-09. Review status: criteria provided, single submitter. Criteria: Invitae Variant Classification Sherloc (09022015). Collection method: clinical testing. Allele origin: germline.
Comment: This variant is not present in population databases (ExAC no frequency). This variant, c.2155_2157del, results in the deletion of 1 amino acid(s) of the KIT protein (p.Asn719del), but otherwise preserves the integrity of the reading frame. This variant has not been reported in the literature in individuals with KIT-related conditions. Experimental studies and prediction algorithms are not available or were not evaluated, and the functional significance of this variant is currently unknown. In summary, the available evidence is currently insufficient to determine the role of this variant in disease. Therefore, it has been classified as a Variant of Uncertain Significance.

NM_000222.3(KIT):c.2155_2157del (p.Asn719del)

Gene: KIT (KIT proto-oncogene, receptor tyrosine kinase; plus strand). Cytogenetic location: 4q12.
Variant type: Deletion.
Coding change: c.2155_2157del on transcript NM_000222.3 (MANE Select); coding-DNA positions 2155 to 2157, 3 bases deleted (AAT; older notation c.2155_2157delAAT).
Protein change: p.Asn719del; deletes asparagine 719.
Molecular consequence: inframe deletion.
Genome position (GRCh38, 1-based): chr4:54,731,341-54,731,343, AAT deleted; deleting any 3 consecutive bases within chr4:54,731,340-54,731,343 gives the same sequence; the c. name uses the placement nearest the transcript's 3' end. VCF-style (leftmost placement, unchanged base first): chr4-54731339-CTAA-C. GRCh37 (hg19) VCF-style: chr4-55597505-CTAA-C.
Other names: c.2143_2145del, p.Asn715del (NM_001093772.2, NM_001385292.1); c.2158_2160del, p.Asn720del (NM_001385284.1); c.2152_2154del, p.Asn718del (NM_001385285.1); c.2140_2142del, p.Asn714del (NM_001385286.1); c.2146_2148del, p.Asn716del (NM_001385288.1); c.2155_2157del, p.Asn719del (NM_001385290.1); short protein forms N715del, N718del, N719del, N714del, N716del, N720del.
Identifiers: ClinVar variation 1413434 (VCV001413434.8), dbSNP rs2109792203, ClinGen allele CA2573138271.